The following is an entry in ClinVar:

NM_005263.5(GFI1):c.660G>T (p.Leu220Phe)

Gene: GFI1 (growth factor independent 1 transcriptional repressor; minus strand). Cytogenetic location: 1p22.1.
Variant type: single nucleotide variant.
Coding change: c.660G>T on transcript NM_005263.5 (MANE Select); coding-DNA position 660, G replaced by T.
Protein change: p.Leu220Phe; replaces leucine 220 with phenylalanine.
Molecular consequence: missense variant.
Genome position (GRCh38, 1-based): chr1:92,480,727, C>A on the plus strand (G>T on the coding strand, the complement: GFI1 is on the minus strand). VCF-style: chr1-92480727-C-A. GRCh37 (hg19) VCF-style: chr1-92946284-C-A.
Other names: c.660G>T, p.Leu220Phe (NM_001127215.3, NM_001127216.3); short protein forms L220F.
Identifiers: ClinVar variation 2747070 (VCV002747070.3), dbSNP rs1658194725, ClinGen allele CA341149390.
Genomic context (GRCh38, chr1:92,480,727, plus strand): 5'-CTCCACCTTGACGCCAGCGCCCTTGTCTGCGTGCAGCCCGTGGCCACGCTCGGGGTACAG[C>A]AAGCCCGCCGCTGCCGTGGGCCTCTCATACAGCCCGGCTGCCGCAGACCCGAAGTCGCCG-3'
Protein context (NP_005254.2, residues 210-230): LYERPTAAAG[Leu220Phe]LYPERGHGLH

ClinVar aggregate classification (germline): Uncertain significance (1 of 4 stars; one submission).

Conditions:
Neutropenia, severe congenital, 2, autosomal dominant. Identifiers: Orphanet 486, MedGen C2751288, MONDO:0013139, OMIM 613107.

Submission:

Labcorp Genetics (formerly Invitae), Labcorp
Classification: Uncertain significance for Neutropenia, severe congenital, 2, autosomal dominant. Last evaluated: 2025-11-17. Review status: criteria provided, single submitter. Criteria: Invitae Variant Classification Sherloc (09022015). Collection method: clinical testing. Allele origin: germline.
Comment: This sequence change replaces leucine, which is neutral and non-polar, with phenylalanine, which is neutral and non-polar, at codon 220 of the GFI1 protein (p.Leu220Phe). This variant is not present in population databases (gnomAD no frequency). This variant has not been reported in the literature in individuals affected with GFI1-related conditions. ClinVar contains an entry for this variant (Variation ID: 2747070). Invitae Evidence Modeling of protein sequence and biophysical properties (such as structural, functional, and spatial information, amino acid conservation, physicochemical variation, residue mobility, and thermodynamic stability) indicates that this missense variant is not expected to disrupt GFI1 protein function with a negative predictive value of 80%. In summary, the available evidence is currently insufficient to determine the role of this variant in disease. Therefore, it has been classified as a Variant of Uncertain Significance.